The following is an entry in ClinVar:

NM_000051.4(ATM):c.2466+1del

Gene: ATM (ATM serine/threonine kinase; plus strand). Cytogenetic location: 11q22.3.
Variant type: Deletion.
Coding change: c.2466+1del on transcript NM_000051.4 (MANE Select); the canonical splice donor site of the intron after coding-DNA position 2466, one base deleted (G; older notation c.2466+1delG).
Molecular consequence: splice donor variant.
Genome position (GRCh38, 1-based): chr11:108,259,076, G deleted. VCF-style (leftmost placement, unchanged base first): chr11-108259075-AG-A. GRCh37 (hg19) VCF-style: chr11-108129802-AG-A.
Other names: c.2466+1delG (NM_000051.3); c.2466+1del (NM_001351834.2).
Identifiers: ClinVar variation 186216 (VCV000186216.22), dbSNP rs786202783, ClinGen allele CA194178.

ClinVar aggregate classification (germline): Pathogenic/Likely pathogenic. Review status: criteria provided, multiple submitters, no conflicts (2 of 4 stars). 8 submissions from 8 submitters: Pathogenic (6); Likely pathogenic (1). 1 of the submissions does not count toward it. Last evaluated 2024-02-05.

Conditions:
Familial cancer of breast. Also called: BREAST CANCER, FAMILIAL; Hereditary breast cancer; hereditary breast carcinoma. Identifiers: Orphanet 227535, MedGen C0346153, MONDO:0016419, OMIM 114480. Disease mechanism: loss of function.
Hereditary cancer-predisposing syndrome. Also called: Hereditary Cancer Syndrome; Neoplastic Syndromes, Hereditary; Tumor predisposition; Hereditary neoplastic syndrome. Identifiers: Orphanet 140162, MedGen C0027672, MeSH D009386, MONDO:0015356.
Ataxia-telangiectasia syndrome (AT). Also called: Ataxia-telangiectasia, complementation group D; AT, COMPLEMENTATION GROUP C; ATAXIA-TELANGIECTASIA, COMPLEMENTATION GROUP A; ATAXIA-TELANGIECTASIA, FRESNO VARIANT; Ataxia-telangiectasia; LOUIS-BAR SYNDROME. Identifiers: Orphanet 100, MedGen C0004135, MONDO:0008840, OMIM 208900.

Allele frequency attached by ClinVar (database versions not stated): TOPMed below 0.00001; ESP Exome Variant Server 0.00008.

Submissions (8):

Baylor Genetics
Classification: Pathogenic for Familial cancer of breast. Last evaluated: 2024-02-05. Review status: criteria provided, single submitter. Criteria: ACMG Guidelines, 2015. Collection method: clinical testing. Allele origin: unknown.

Myriad Genetics, Inc.
Classification: Likely pathogenic for Familial cancer of breast. Last evaluated: 2024-01-17. Review status: criteria provided, single submitter. Criteria: Myriad Autosomal Dominant, Autosomal Recessive and X-Linked Classification Criteria (2023). Collection method: clinical testing. Allele origin: unknown.
Comment: This variant is considered likely pathogenic. This variant occurs within a consensus splice junction and is predicted to result in abnormal mRNA splicing of either an out-of-frame exon or an in-frame exon necessary for protein stability and/or normal function.

Women's Health and Genetics/Laboratory Corporation of America, LabCorp
Classification: Pathogenic for Ataxia-telangiectasia syndrome. Last evaluated: 2023-01-01. Review status: criteria provided, single submitter. Criteria: LabCorp Variant Classification Summary - May 2015. Collection method: clinical testing. Allele origin: germline.
Comment: Variant summary: ATM c.2466+1delG is located in a canonical splice-site and is predicted to affect mRNA splicing resulting in a significantly altered protein due to either exon skipping, shortening, or inclusion of intronic material. Several computational tools predict a significant impact on normal splicing: Three predict the variant abolishes the canonical 5' splicing donor site. However, these predictions have yet to be confirmed by functional studies. The variant was absent in 250466 control chromosomes. c.2466+1delG has been reported in the literature in individuals affected with Ataxia-Telangiectasia (example, PMID: 17910737, 9043869, 30389154). These data indicate that the variant may be associated with disease. To our knowledge, no experimental evidence demonstrating an impact on protein function has been reported. Four clinical diagnostic laboratories have submitted clinical-significance assessments for this variant to ClinVar after 2014 without evidence for independent evaluation. All laboratories classified the variant as pathogenic. Based on the evidence outlined above, the variant was classified as pathogenic.

Ambry Genetics
Classification: Pathogenic for Hereditary cancer-predisposing syndrome. Last evaluated: 2022-12-07. Review status: criteria provided, single submitter. Criteria: Ambry Variant Classification Scheme 2023. Collection method: clinical testing. Allele origin: germline.
Comment: The c.2466+1delG intronic pathogenic mutation, located in intron 15 of the ATM gene, results from a deletion of the first nucleotide after coding exon 15. This alteration was reported in one patient with an additional nonsense ATM mutation in trans and a clinical diagnosis of ataxia telangiectasia (Cavalieri S, Ann. Hum. Genet. 2008 Jan; 72(Pt 1):10-8). In addition to the clinical data presented in the literature, alterations that disrupt the canonical splice site are expected to cause aberrant splicing, resulting in an abnormal protein or a transcript that is subject to nonsense-mediated mRNA decay. As such, this alteration is classified as a disease-causing mutation.

Color Diagnostics, LLC DBA Color Health
Classification: Pathogenic for Hereditary cancer-predisposing syndrome. Last evaluated: 2022-10-07. Review status: criteria provided, single submitter. Criteria: ACMG Guidelines, 2015. Collection method: clinical testing. Allele origin: germline.
Comment: This variant causes the deletion of G at the +1 position of intron 16 of the ATM gene. Splice site prediction tools predict that this variant may have a significant impact on RNA splicing. Although this prediction has not been confirmed in published RNA studies, this variant is expected to result in an absent or disrupted protein product. This variant has been reported in individuals affected with autosomal recessive ataxia-telangiectasia (PMID: 17910737, 22927201, 30389154). This variant has not been identified in the general population by the Genome Aggregation Database (gnomAD). Loss of ATM function is a known mechanism of disease. Based on the available evidence, this variant is classified as Pathogenic.

Labcorp Genetics (formerly Invitae), Labcorp
Classification: Pathogenic for Ataxia-telangiectasia syndrome. Last evaluated: 2022-09-21. Review status: criteria provided, single submitter. Criteria: Invitae Variant Classification Sherloc (09022015). Collection method: clinical testing. Allele origin: germline.
Comment: For these reasons, this variant has been classified as Pathogenic. Algorithms developed to predict the effect of sequence changes on RNA splicing suggest that this variant may disrupt the consensus splice site. ClinVar contains an entry for this variant (Variation ID: 186216). This variant is also known as exon 17. Disruption of this splice site has been observed in individual(s) with ataxia-telangiectasia (PMID: 9043869, 17910737, 22927201). This variant is not present in population databases (gnomAD no frequency). This sequence change affects a splice site in intron 16 of the ATM gene. It is expected to disrupt RNA splicing. Variants that disrupt the donor or acceptor splice site typically lead to a loss of protein function (PMID: 16199547), and loss-of-function variants in ATM are known to be pathogenic (PMID: 23807571, 25614872).

Sema4
Classification: Pathogenic for Hereditary cancer-predisposing syndrome. Last evaluated: 2020-11-09. Review status: criteria provided, single submitter. Criteria: Sema4 Curation Guidelines. Collection method: curation. Allele origin: germline.
Comment: The ATM c.2466+1delG variant has been reported as compound heterozygous and/or homozygous in individuals with ataxia-telangiectasia (PMID: 22927201, 30389154). This variant is predicted to destroy the canonical splice donor site leading to an abnormal or absent protein. Functional studies have shown that this variant alters the mRNA splicing (PMID: 17910737). Loss of function variants in ATM are known to be pathogenic (PMID: 31050087). This variant is not reported in the population database Genome Aggregation Database (PMID: 27535533). Based on the current evidence available, this variant is interpreted as pathogenic.

Natera, Inc.
Classification: Pathogenic for Ataxia-telangiectasia. Last evaluated: 2020-09-16. Review status: no assertion criteria provided. Collection method: clinical testing. Allele origin: germline. Not counted in ClinVar's aggregate classification.

Literature cited by the submitters: PubMed 17910737 (cited by 5 submitters); PubMed 30389154 (cited by 3 submitters); PubMed 9043869 (cited by Women's Health and Genetics/Laboratory Corporation of America, LabCorp and Labcorp Genetics (formerly Invitae), Labcorp); PubMed 10330348 (cited by Ambry Genetics); PubMed 22927201 (cited by 4 submitters); PubMed 16199547 (cited by Labcorp Genetics (formerly Invitae), Labcorp); PubMed 23807571 (cited by Labcorp Genetics (formerly Invitae), Labcorp); PubMed 25614872 (cited by Labcorp Genetics (formerly Invitae), Labcorp); PubMed 31050087 (cited by Sema4).